The following is an entry in ClinVar:

ClinVar aggregate classification (germline): Uncertain significance (1 of 4 stars; one submission).

Conditions:
Duchenne muscular dystrophy (DMD). Also called: MUSCULAR DYSTROPHY, PSEUDOHYPERTROPHIC PROGRESSIVE, DUCHENNE TYPE; Duchenne Muscular Dystrophy (DMD). Identifiers: Orphanet 98896, MedGen C0013264, MONDO:0010679, OMIM 310200.

Submission:

Labcorp Genetics (formerly Invitae), Labcorp
Classification: Uncertain significance for Duchenne muscular dystrophy. Last evaluated: 2021-06-17. Review status: criteria provided, single submitter. Criteria: Invitae Variant Classification Sherloc (09022015). Collection method: clinical testing. Allele origin: germline.
Comment: This sequence change falls in intron 10 of the DMD gene. It does not directly change the encoded amino acid sequence of the DMD protein. This variant is not present in population databases (ExAC no frequency). This variant has been observed in individual(s) with Duchenne muscular dystrophy (Invitae). Algorithms developed to predict the effect of sequence changes on RNA splicing suggest that this variant may create or strengthen a splice site, but this prediction has not been confirmed by published transcriptional studies. In summary, the available evidence is currently insufficient to determine the role of this variant in disease. Therefore, it has been classified as a Variant of Uncertain Significance.

NM_004006.3(DMD):c.1150-253_1150-5delinsAGT

Gene: DMD (dystrophin; minus strand). Cytogenetic location: Xp21.1.
Variant type: Indel.
Coding change: c.1150-253_1150-5delinsAGT on transcript NM_004006.3 (MANE Select); 253 bases into the intron before coding-DNA position 1150 through 5 bases into the intron before coding-DNA position 1150, the reference bases replaced by AGT.
Molecular consequence: intron variant.
Genome position (GRCh38, 1-based): chrX:32,644,318-32,644,566, 249 bases replaced. GRCh37 (hg19): chrX:32,662,435-32,662,683.
Other names: c.1126-253_1126-5delinsAGT (NM_000109.4); c.1138-253_1138-5delinsAGT (NM_004009.3); c.781-253_781-5delinsAGT (NM_004010.3).
Identifiers: ClinVar variation 1361969 (VCV001361969.8), dbSNP rs2146822766, ClinGen allele CA2573158847.